The following is an entry in ClinVar:

ClinVar aggregate classification (germline): Uncertain significance (1 of 4 stars; one submission).

Conditions:
Inborn genetic diseases. Identifiers: MedGen C0950123, MeSH D030342.

gnomAD v4.1: 1 of 1,613,938 alleles (0.000062%); highest among the groups gnomAD compares: African/African-American, 0.0013%; no homozygotes.

Submission:

Ambry Genetics
Classification: Uncertain significance for Inborn genetic diseases. Last evaluated: 2026-05-19. Review status: criteria provided, single submitter. Criteria: Ambry Variant Classification Scheme 2023. Collection method: clinical testing. Allele origin: germline.
Comment: The p.T1194A variant (also known as c.3580A>G), located in coding exon 1 of the SAMD9L gene, results from an A to G substitution at nucleotide position 3580. The threonine at codon 1194 is replaced by alanine, an amino acid with similar properties. This amino acid position is conserved. In addition, this alteration is predicted to be tolerated by in silico analysis. Based on the available evidence, the clinical significance of this variant remains unclear.

NM_152703.5(SAMD9L):c.3580A>G (p.Thr1194Ala)

Gene: SAMD9L (sterile alpha motif domain containing 9 like; minus strand). Cytogenetic location: 7q21.2.
Variant type: single nucleotide variant.
Coding change: c.3580A>G on transcript NM_152703.5 (MANE Select); coding-DNA position 3580, A replaced by G.
Protein change: p.Thr1194Ala; replaces threonine 1194 with alanine.
Molecular consequence: missense variant.
Genome position (GRCh38, 1-based): chr7:93,132,392, T>C on the plus strand (A>G on the coding strand, the complement: SAMD9L is on the minus strand). VCF-style: chr7-93132392-T-C. GRCh37 (hg19) VCF-style: chr7-92761705-T-C.
Other names: c.3580A>G, p.Thr1194Ala (NM_001303496.3, NM_001303497.3, NM_001303498.3 and 5 more transcripts); short protein forms T1194A.
Identifiers: ClinVar variation 4864004 (VCV004864004.1).